The following is an entry in ClinVar:

NM_002029.4(FPR1):c.858A>G (p.Thr286=)

Gene: FPR1 (formyl peptide receptor 1; minus strand). Cytogenetic location: 19q13.41.
Variant type: single nucleotide variant.
Coding change: c.858A>G on transcript NM_002029.4 (MANE Select); coding-DNA position 858, A replaced by G.
Protein change: p.Thr286=; no amino-acid change (threonine 286 retained).
Molecular consequence: synonymous variant.
Genome position (GRCh38, 1-based): chr19:51,746,137, T>C on the plus strand (A>G on the coding strand, the complement: FPR1 is on the minus strand). VCF-style: chr19-51746137-T-C. GRCh37 (hg19) VCF-style: chr19-52249390-T-C.
Other names: c.858A>G, p.Thr286= (NM_001193306.2); c.858A>G (NM_002029.3).
Identifiers: ClinVar variation 1147556 (VCV001147556.12), dbSNP rs371692364, ClinGen allele CA9616375.

ClinVar aggregate classification (germline): Likely benign. Review status: criteria provided, single submitter (1 of 4 stars). 2 submissions from 2 submitters: Likely benign (1). 1 of the submissions does not count toward it. Last evaluated 2025-10-27.

Conditions:
Gingival disorder. Also called: Gingival disease. Identifiers: MedGen C0017563, MONDO:0002021.
FPR1-related disorder. Also called: FPR1-related condition.

Allele frequency attached by ClinVar (database versions not stated): ESP Exome Variant Server 0.00008; gnomAD 0.00016 and 0.00017; TOPMed 0.00022; gnomAD exomes 0.00027; ExAC 0.00030.
gnomAD v4.1: 598 of 1,614,102 alleles (0.037%); highest among the groups gnomAD compares: Non-Finnish European, 0.046%; 1 homozygote.

Submissions (2):

Labcorp Genetics (formerly Invitae), Labcorp
Classification: Likely benign for Gingival disorder. Last evaluated: 2025-10-27. Review status: criteria provided, single submitter. Criteria: Invitae Variant Classification Sherloc (09022015). Collection method: clinical testing. Allele origin: germline.

PreventionGenetics, part of Exact Sciences
Classification: Likely benign for FPR1-related condition. Last evaluated: 2019-03-04. Review status: no assertion criteria provided. Collection method: clinical testing. Allele origin: germline. Not counted in ClinVar's aggregate classification.
Comment: This variant is classified as likely benign based on ACMG/AMP sequence variant interpretation guidelines (Richards et al. 2015 PMID: 25741868, with internal and published modifications).